The following is an entry in ClinVar:

NM_001365999.1(SZT2):c.8812T>A (p.Ser2938Thr)

Gene: SZT2 (SZT2 subunit of KICSTOR complex; plus strand). Cytogenetic location: 1p34.2.
Variant type: single nucleotide variant.
Coding change: c.8812T>A on transcript NM_001365999.1 (MANE Select); coding-DNA position 8812, T replaced by A.
Protein change: p.Ser2938Thr; replaces serine 2938 with threonine.
Molecular consequence: missense variant.
Genome position (GRCh38, 1-based): chr1:43,443,783, T>A. VCF-style: chr1-43443783-T-A. GRCh37 (hg19) VCF-style: chr1-43909454-T-A.
Other names: c.8641T>A, p.Ser2881Thr (NM_015284.4); short protein forms S2881T, S2938T.
Identifiers: ClinVar variation 1046980 (VCV001046980.7), dbSNP rs756001755, ClinGen allele CA810679.
Genomic context (GRCh38, chr1:43,443,783, plus strand): 5'-CAGCAATATGTGCAGTATCTGCAGAGCATAGGTTTTGTGCTGGTACCACTGCGGCCCCCC[T>A]CACCCGCCCGCAGGTGAGCCCGTCCCTGTTTTCCCTTCTGTCTTCTCCTCCTGCACTGCA-3'
Protein context (NP_001352928.1, residues 2928-2948): GFVLVPLRPP[Ser2938Thr]PARSTSRPRA

ClinVar aggregate classification (germline): Uncertain significance (1 of 4 stars; one submission).

Allele frequency attached by ClinVar (database versions not stated): gnomAD exomes below 0.00001 and 0.00001; ExAC 0.00001.
gnomAD v4.1: 2 of 1,613,572 alleles (0.00012%); highest among the groups gnomAD compares: Admixed American, 0.0033%; no homozygotes.

Submission:

Labcorp Genetics (formerly Invitae), Labcorp
Classification: Uncertain significance. Last evaluated: 2020-02-20. Review status: criteria provided, single submitter. Criteria: Invitae Variant Classification Sherloc (09022015). Collection method: clinical testing. Allele origin: germline.
Comment: In summary, the available evidence is currently insufficient to determine the role of this variant in disease. Therefore, it has been classified as a Variant of Uncertain Significance. Algorithms developed to predict the effect of missense changes on protein structure and function are either unavailable or do not agree on the potential impact of this missense change (SIFT: "Deleterious"; PolyPhen-2: "Probably Damaging"; Align-GVGD: "Class C0"). This variant has not been reported in the literature in individuals with SZT2-related conditions. This variant is present in population databases (rs756001755, ExAC 0.009%). This sequence change replaces serine with threonine at codon 2881 of the SZT2 protein (p.Ser2881Thr). The serine residue is highly conserved and there is a small physicochemical difference between serine and threonine.